The following is an entry in ClinVar:

ClinVar aggregate classification (germline): Uncertain significance (1 of 4 stars; one submission).

Conditions:
Deficiency of UDPglucose-hexose-1-phosphate uridylyltransferase. Also called: GALACTOSE-1-PHOSPHATE URIDYLYLTRANSFERASE DEFICIENCY; GALACTOSEMIA I; Transferase Deficiency Galactosemia; GALT deficiency; Galactosemia, classic. Identifiers: Orphanet 352, Orphanet 79239, MedGen C0268151, MONDO:0009258, OMIM 230400.

Allele frequency attached by ClinVar (database versions not stated): gnomAD exomes below 0.00001.

Submission:

Labcorp Genetics (formerly Invitae), Labcorp
Classification: Uncertain significance for Deficiency of UDPglucose-hexose-1-phosphate uridylyltransferase. Last evaluated: 2024-10-07. Review status: criteria provided, single submitter. Criteria: Invitae Variant Classification Sherloc (09022015). Collection method: clinical testing. Allele origin: germline.
Comment: This sequence change replaces valine, which is neutral and non-polar, with alanine, which is neutral and non-polar, at codon 65 of the GALT protein (p.Val65Ala). This variant is not present in population databases (gnomAD no frequency). This variant has not been reported in the literature in individuals affected with GALT-related conditions. ClinVar contains an entry for this variant (Variation ID: 2109269). Invitae Evidence Modeling of protein sequence and biophysical properties (such as structural, functional, and spatial information, amino acid conservation, physicochemical variation, residue mobility, and thermodynamic stability) indicates that this missense variant is expected to disrupt GALT protein function with a positive predictive value of 95%. In summary, the available evidence is currently insufficient to determine the role of this variant in disease. Therefore, it has been classified as a Variant of Uncertain Significance.

NM_000155.4(GALT):c.194T>C (p.Val65Ala)

Genes: GALT (galactose-1-phosphate uridylyltransferase; plus strand), LOC130001683 (ATAC-STARR-seq lymphoblastoid active region 28314; plus strand). Cytogenetic location: 9p13.3.
Variant type: single nucleotide variant.
Coding change: c.194T>C on transcript NM_000155.4 (MANE Select); coding-DNA position 194, T replaced by C.
Protein change: p.Val65Ala; replaces valine 65 with alanine.
Molecular consequence: missense variant. On other transcripts: 5 prime UTR variant (1).
Genome position (GRCh38, 1-based): chr9:34,647,200, T>C. VCF-style: chr9-34647200-T-C. GRCh37 (hg19) VCF-style: chr9-34647197-T-C.
Other names: c.-9T>C (NM_001258332.2); short protein forms V65A.
Identifiers: ClinVar variation 2109269 (VCV002109269.2), dbSNP rs1211267776, ClinGen allele CA373278716.